The following is an entry in ClinVar:

ClinVar aggregate classification (germline): Uncertain significance. Review status: criteria provided, multiple submitters, no conflicts (2 of 4 stars). 2 submissions from 2 submitters: Uncertain significance (2). Last evaluated 2023-07-24.

Conditions:
Congenital adrenal hyperplasia due to cytochrome P450 oxidoreductase deficiency. Also called: DISORDERED STEROIDOGENESIS DUE TO POR DEFICIENCY. Identifiers: Orphanet 95699, MedGen C1860042, MONDO:0013310, OMIM 613571.

Allele frequency attached by ClinVar (database versions not stated): ExAC 0.00004; gnomAD exomes 0.00004; gnomAD 0.00015 and 0.00016; ESP Exome Variant Server 0.00016; 1000 Genomes Project 0.00020; TOPMed 0.00022; 1000 Genomes Project 30x 0.00031.
gnomAD v4.1: 36 of 1,612,890 alleles (0.0022%); highest among the groups gnomAD compares: African/African-American, 0.047%; no homozygotes.

Submissions (2):

Women's Health and Genetics/Laboratory Corporation of America, LabCorp
Classification: Uncertain significance. Last evaluated: 2023-07-24. Review status: criteria provided, single submitter. Criteria: LabCorp Variant Classification Summary - May 2015. Collection method: clinical testing. Allele origin: germline.
Comment: Variant summary: POR c.841C>A (p.Pro281Thr) results in a non-conservative amino acid change in the encoded protein sequence. Five of five in-silico tools predict a damaging effect of the variant on protein function. The variant allele was found at a frequency of 4e-05 in 248958 control chromosomes in gnomAD. This frequency is not significantly higher than estimated for a pathogenic variant in POR causing Congenital Adrenal Hyperplasia (4e-05 vs 0.00091), allowing no conclusion about variant significance. To our knowledge, no occurrence of c.841C>A in individuals affected with Congenital Adrenal Hyperplasia has been reported. At least one publication reports experimental evidence evaluating an impact on protein function. Comparing to normal activity of WT, this variant results in 32% of NADPH oxidation and 16% of Cytochrome C reduction in in-vitro assays (example: Huang_2008). Other indirect evidence suggests this variant reduced activity of various P450 enzymes (example: Agrawal_2008). The following publications have been ascertained in the context of this evaluation (PMID: 18551037, 18230729). One submitter has cited clinical-significance assessments for this variant to ClinVar after 2014 and has classified the variant as uncertain significance. Based on the evidence outlined above, the variant was classified as uncertain significance.

Labcorp Genetics (formerly Invitae), Labcorp
Classification: Uncertain significance for Congenital adrenal hyperplasia due to cytochrome P450 oxidoreductase deficiency. Last evaluated: 2022-04-07. Review status: criteria provided, single submitter. Criteria: Invitae Variant Classification Sherloc (09022015). Collection method: clinical testing. Allele origin: germline.
Comment: This sequence change replaces proline, which is neutral and non-polar, with threonine, which is neutral and polar, at codon 284 of the POR protein (p.Pro284Thr). This variant is present in population databases (rs72557937, gnomAD 0.04%). This variant has not been reported in the literature in individuals affected with POR-related conditions. Algorithms developed to predict the effect of missense changes on protein structure and function (SIFT, PolyPhen-2, Align-GVGD) all suggest that this variant is likely to be disruptive. Experimental studies have shown that this missense change affects POR function (PMID: 18230729, 18551037, 31669572). In summary, the available evidence is currently insufficient to determine the role of this variant in disease. Therefore, it has been classified as a Variant of Uncertain Significance.

Literature cited by the submitters: PubMed 18551037 (cited by Women's Health and Genetics/Laboratory Corporation of America, LabCorp and Labcorp Genetics (formerly Invitae), Labcorp); PubMed 18230729 (cited by Women's Health and Genetics/Laboratory Corporation of America, LabCorp and Labcorp Genetics (formerly Invitae), Labcorp); PubMed 31669572 (cited by Labcorp Genetics (formerly Invitae), Labcorp).

NM_001395413.1(POR):c.841C>A (p.Pro281Thr)

Genes: POR (cytochrome p450 oxidoreductase; plus strand), LOC126860075 (CDK7 strongly-dependent group 2 enhancer GRCh37_chr7:75612087-75613286; plus strand). Cytogenetic location: 7q11.23.
Variant type: single nucleotide variant.
Coding change: c.841C>A on transcript NM_001395413.1 (MANE Select); coding-DNA position 841, C replaced by A.
Protein change: p.Pro281Thr; replaces proline 281 with threonine.
Molecular consequence: missense variant.
Genome position (GRCh38, 1-based): chr7:75,983,539, C>A. VCF-style: chr7-75983539-C-A. GRCh37 (hg19) VCF-style: chr7-75612857-C-A.
Other names: c.841C>A, p.Pro281Thr (NM_001367562.3, NM_001382657.2, NM_001382658.3 and 2 more transcripts); c.895C>A, p.Pro299Thr (NM_001382655.3); short protein forms P281T, P299T.
Identifiers: ClinVar variation 1412658 (VCV001412658.4), dbSNP rs72557937, ClinGen allele CA4303878.